The following is an entry in ClinVar:

ClinVar aggregate classification (germline): Uncertain significance. Review status: criteria provided, multiple submitters, no conflicts (2 of 4 stars). 3 submissions from 3 submitters: Uncertain significance (3). Last evaluated 2023-11-28.

Conditions:
Inborn genetic diseases. Identifiers: MedGen C0950123, MeSH D030342.
Malignant hyperthermia, susceptibility to, 1 (MHS1). Also called: RYR1-Related Malignant Hyperthermia Susceptibility; Anesthesia related hyperthermia; Malignant hyperpyrexia; Fulminating hyperpyrexia; Pharmacogenic myopathy; Malignant hyperthermia suceptibility 1. Identifiers: Orphanet 423, MedGen C2930980, MONDO:0007783, OMIM 145600.

Allele frequency attached by ClinVar (database versions not stated): TOPMed below 0.00001; gnomAD 0.00001.
gnomAD v4.1: 3 of 1,613,994 alleles (0.00019%); highest among the groups gnomAD compares: African/African-American, 0.0027%; no homozygotes.

Submissions (3):

All of Us Research Program, National Institutes of Health
Classification: Uncertain significance for Malignant hyperthermia, susceptibility to, 1. Last evaluated: 2023-11-28. Review status: criteria provided, single submitter. Criteria: ACMG Guidelines, 2015. Collection method: clinical testing. Allele origin: germline. Inheritance: Autosomal dominant inheritance. Observed: 1 variant allele, 1 heterozygote.
Comment: This missense variant replaces histidine with glutamine at codon 5004 of the RYR1 protein. Computational prediction suggests that this variant may have deleterious impact on protein structure and function (internally defined REVEL score threshold >= 0.7, PMID: 27666373). To our knowledge, functional studies have not been reported for this variant. This variant has not been reported in individuals affected with malignant hyperthermia in the literature. This variant has not been identified in the general population by the Genome Aggregation Database (gnomAD). The available evidence is insufficient to determine the role of this variant in disease conclusively. Therefore, this variant is classified as a Variant of Uncertain Significance.

This study involves interpretation of variants in research participants for the purpose of population health screening. Participant phenotype was not available at the time of variant classification. Additional details can be found in publication PMID: 35346344, PMCID: PMC8962531

Ambry Genetics
Classification: Uncertain significance for Inborn genetic diseases. Last evaluated: 2023-06-12. Review status: criteria provided, single submitter. Criteria: Ambry Variant Classification Scheme 2023. Collection method: clinical testing. Allele origin: germline.

GeneDx
Classification: Uncertain significance. Last evaluated: 2019-10-07. Review status: criteria provided, single submitter. Criteria: GeneDx Variant Classification Process June 2021. Collection method: clinical testing. Allele origin: germline. Affected: yes.
Comment: Not observed in large population cohorts (Lek et al., 2016); In silico analysis, which includes protein predictors and evolutionary conservation, supports a deleterious effect; Has not been previously published as pathogenic or benign to our knowledge

NM_000540.3(RYR1):c.15012C>A (p.His5004Gln)

Gene: RYR1 (ryanodine receptor 1; plus strand). Cytogenetic location: 19q13.2.
Variant type: single nucleotide variant.
Coding change: c.15012C>A on transcript NM_000540.3 (MANE Select); coding-DNA position 15012, C replaced by A.
Protein change: p.His5004Gln; replaces histidine 5004 with glutamine.
Molecular consequence: missense variant.
Genome position (GRCh38, 1-based): chr19:38,586,567, C>A. VCF-style: chr19-38586567-C-A. GRCh37 (hg19) VCF-style: chr19-39077207-C-A.
Other names: c.14997C>A, p.His4999Gln (NM_001042723.2); short protein forms H4999Q, H5004Q.
Identifiers: ClinVar variation 1303360 (VCV001303360.5), dbSNP rs1974498761, ClinGen allele CA405693821.
Genomic context (GRCh38, chr19:38,586,567, plus strand): 5'-TGGTCCTCTCACCCTCAGGTTTTTCCTGATGTATTTGATAAACAAGGATGAGACAGAACA[C>A]ACGGGTCAGGTAAGGGGGTGTTAATGGGAGGACAGTGGGCAGGACGTGGAGCCCTTTAAC-3'
Protein context (NP_000531.2, residues 4994-5014): MYLINKDETE[His5004Gln]TGQESYVWKM